The following is an entry in ClinVar:

ClinVar aggregate classification (germline): Pathogenic (1 of 4 stars; one submission).

Conditions:
X-linked agammaglobulinemia with growth hormone deficiency (IGHD3). Also called: FLEISHER SYNDROME; Isolated growth hormone deficiency type 3; Growth hormone deficiency with hypogammaglobulinemia; AGAMMAGLOBULINEMIA AND ISOLATED GROWTH HORMONE DEFICIENCY, X-LINKED; HYPOGAMMAGLOBULINEMIA AND ISOLATED GROWTH HORMONE DEFICIENCY, X-LINKED; IGHD III. Identifiers: Orphanet 231692, Orphanet 631, MedGen C0472813, MONDO:0010615, OMIM 307200.

Submission:

Labcorp Genetics (formerly Invitae), Labcorp
Classification: Pathogenic for X-linked agammaglobulinemia with growth hormone deficiency. Last evaluated: 2024-12-08. Review status: criteria provided, single submitter. Criteria: Invitae Variant Classification Sherloc (09022015). Collection method: clinical testing. Allele origin: germline.
Comment: This sequence change creates a premature translational stop signal (p.Leu593Trpfs*56) in the BTK gene. While this is not anticipated to result in nonsense mediated decay, it is expected to disrupt the last 67 amino acid(s) of the BTK protein. This variant is not present in population databases (gnomAD no frequency). This variant has not been reported in the literature in individuals affected with BTK-related conditions. This variant disrupts a region of the BTK protein in which other variant(s) (p.Phe644Ser) have been determined to be pathogenic (PMID: 8695804, 32552675). This suggests that this is a clinically significant region of the protein, and that variants that disrupt it are likely to be disease-causing. For these reasons, this variant has been classified as Pathogenic.

Literature cited by the submitters: PubMed 8695804; PubMed 32552675.

NM_000061.3(BTK):c.1777del (p.Leu593fs)

Gene: BTK (Bruton tyrosine kinase; minus strand). Cytogenetic location: Xq22.1.
Variant type: Deletion.
Coding change: c.1777del on transcript NM_000061.3 (MANE Select); coding-DNA position 1777, one base deleted (C; older notation c.1777delC).
Protein change: p.Leu593fs; shifts the reading frame from leucine 593.
Molecular consequence: frameshift variant.
Genome position (GRCh38, 1-based): chrX:101,353,325, G deleted on the plus strand (C on the coding strand, the reverse complement: BTK is on the minus strand); the first of 3 consecutive G bases (chrX:101,353,325-101,353,327); deleting any one gives the same sequence. VCF-style (leftmost placement, unchanged base first): chrX-101353324-AG-A. GRCh37 (hg19) VCF-style: chrX-100608312-AG-A.
Other names: c.1879del, p.Leu627fs (NM_001287344.2); c.1249del, p.Leu417fs (NM_001287345.2); short protein forms L417fs, L627fs, L593fs.
Identifiers: ClinVar variation 3705436 (VCV003705436.2).